The following is an entry in ClinVar:

NM_001365951.3(KIF1B):c.4813A>T (p.Ser1605Cys)

Gene: KIF1B (kinesin family member 1B; plus strand). Cytogenetic location: 1p36.22.
Variant type: single nucleotide variant.
Coding change: c.4813A>T on transcript NM_001365951.3 (MANE Select); coding-DNA position 4813, A replaced by T.
Protein change: p.Ser1605Cys; replaces serine 1605 with cysteine.
Molecular consequence: missense variant.
Genome position (GRCh38, 1-based): chr1:10,368,527, A>T. VCF-style: chr1-10368527-A-T. GRCh37 (hg19) VCF-style: chr1-10428585-A-T.
Other names: c.4813A>T, p.Ser1605Cys (NM_001365952.1); c.4675A>T, p.Ser1559Cys (NM_015074.3); short protein forms S1559C, S1605C.
Identifiers: ClinVar variation 4043148 (VCV004043148.1).

ClinVar aggregate classification (germline): Uncertain significance (1 of 4 stars; one submission).

Submission:

Ambry Genetics
Classification: Uncertain significance. Last evaluated: 2025-05-23. Review status: criteria provided, single submitter. Criteria: Ambry Variant Classification Scheme 2023. Collection method: clinical testing. Allele origin: germline.
Comment: The p.S1559C variant (also known as c.4675A>T), located in coding exon 41 of the KIF1B gene, results from an A to T substitution at nucleotide position 4675. The serine at codon 1559 is replaced by cysteine, an amino acid with dissimilar properties. This amino acid position is conserved. In addition, the in silico prediction for this alteration is inconclusive. Based on the available evidence, the clinical significance of this variant remains unclear.